The following is an entry in ClinVar:

NM_002294.3(LAMP2):c.929-5T>C

Gene: LAMP2 (lysosome associated membrane protein 2; minus strand). Cytogenetic location: Xq24.
Variant type: single nucleotide variant.
Coding change: c.929-5T>C on transcript NM_002294.3 (MANE Select); 5 bases into the intron before coding-DNA position 929, T replaced by C.
Molecular consequence: intron variant.
Genome position (GRCh38, 1-based): chrX:120,441,899, A>G on the plus strand (T>C on the coding strand, the complement: LAMP2 is on the minus strand). VCF-style: chrX-120441899-A-G. GRCh37 (hg19) VCF-style: chrX-119575754-A-G.
Other names: c.929-5T>C (NM_001122606.1, NM_013995.2).
Identifiers: ClinVar variation 180397 (VCV000180397.47), dbSNP rs375341409, ClinGen allele CA346418.
Genomic context (GRCh38, chrX:120,441,899, plus strand): 5'-AGAACTTCCCAGGGGGGCATCCCAGTAGCTGAGATTGTTATTTGCAATGCTGAAAACTTC[A>G]AAGAAAAGAAACAGGTTAGTAACTTCTTATCCTATCAACATCAAAAATGGGAAAGTTGGC-3'

ClinVar aggregate classification (germline): Benign/Likely benign. Review status: criteria provided, multiple submitters, no conflicts (2 of 4 stars). 9 submissions from 9 submitters: Benign (3); Likely benign (3). 3 of the submissions do not count toward it. Last evaluated 2026-08-11.

Conditions:
Cardiovascular phenotype. Identifiers: MedGen CN230736.
Danon disease. Also called: ANTOPOL DISEASE; Glycogen Storage Disease Type IIb; PSEUDOGLYCOGENOSIS II; GSD IIb; LYSOSOMAL GLYCOGEN STORAGE DISEASE WITHOUT ACID MALTASE DEFICIENCY. Identifiers: Orphanet 34587, MedGen C0878677, MONDO:0010281, OMIM 300257.

Allele frequency attached by ClinVar (database versions not stated): gnomAD exomes 0.00002 and 0.00006; gnomAD 0.00004 and 0.00007; ESP Exome Variant Server 0.00009; TOPMed 0.00009; ExAC 0.00013.
gnomAD v4.1: 34 of 1,203,928 alleles (0.0028%); highest among the groups gnomAD compares: Non-Finnish European, 0.0036%; no homozygotes.

Submissions (9):

Ambry Genetics
Classification: Benign for Cardiovascular phenotype. Last evaluated: 2026-08-11. Review status: criteria provided, single submitter. Criteria: Ambry Variant Classification Scheme 2023. Collection method: clinical testing. Allele origin: germline.

Labcorp Genetics (formerly Invitae), Labcorp
Classification: Benign for Danon disease. Last evaluated: 2025-12-10. Review status: criteria provided, single submitter. Criteria: Invitae Variant Classification Sherloc (09022015). Collection method: clinical testing. Allele origin: germline.

CeGaT Center for Human Genetics Tuebingen
Classification: Likely benign. Last evaluated: 2023-01-01. Review status: criteria provided, single submitter. Criteria: CeGaT Center For Human Genetics Tuebingen Variant Classification Criteria Version 2. Collection method: clinical testing. Allele origin: germline. Affected: yes. Observed: 1 variant allele.
Comment: LAMP2: BP4, BS2

Blueprint Genetics
Classification: Likely benign. Last evaluated: 2022-01-31. Review status: criteria provided, single submitter. Criteria: ACMG Guidelines, 2015. Collection method: clinical testing. Allele origin: germline.

GeneDx
Classification: Likely benign. Last evaluated: 2019-08-05. Review status: criteria provided, single submitter. Criteria: GeneDx Variant Classification Process June 2021. Collection method: clinical testing. Allele origin: germline. Affected: yes.

Illumina Laboratory Services, Illumina
Classification: Benign for Danon disease. Last evaluated: 2018-01-12. Review status: criteria provided, single submitter. Criteria: ICSL Variant Classification Criteria 13 December 2019. Collection method: clinical testing. Allele origin: germline.
Comment: This variant was observed in the ICSL laboratory as part of a predisposition screen in an ostensibly healthy population. It had not been previously curated by ICSL or reported in the Human Gene Mutation Database (HGMD: prior to June 1st, 2018), and was therefore a candidate for classification through an automated scoring system. Utilizing variant allele frequency, disease prevalence and penetrance estimates, and inheritance mode, an automated score was calculated to assess if this variant is too frequent to cause the disease. Based on the score and internal cut-off values, a variant classified as benign is not then subjected to further curation. The score for this variant resulted in a classification of benign for this disease.

Clinical Genetics DNA and cytogenetics Diagnostics Lab, Erasmus MC, Erasmus Medical Center
Classification: Likely benign. Review status: no assertion criteria provided. Collection method: clinical testing. Allele origin: germline. Affected: yes. Study: VKGL Data-share Consensus. Not counted in ClinVar's aggregate classification.

Clinical Genetics, Academic Medical Center
Classification: Benign. Review status: no assertion criteria provided. Collection method: clinical testing. Allele origin: germline. Affected: yes. Study: VKGL Data-share Consensus. Not counted in ClinVar's aggregate classification.

Joint Genome Diagnostic Labs from Nijmegen and Maastricht, Radboudumc and MUMC+
Classification: Likely benign. Review status: no assertion criteria provided. Collection method: clinical testing. Allele origin: germline. Affected: yes. Study: VKGL Data-share Consensus. Not counted in ClinVar's aggregate classification.